The following is an entry in ClinVar:

NM_001743.6(CALM2):c.104C>A (p.Thr35Asn)

Gene: CALM2 (calmodulin 2; minus strand). Cytogenetic location: 2p21.
Variant type: single nucleotide variant.
Coding change: c.104C>A on transcript NM_001743.6 (MANE Select); coding-DNA position 104, C replaced by A.
Protein change: p.Thr35Asn; replaces threonine 35 with asparagine.
Molecular consequence: missense variant. On other transcripts: 5 prime UTR variant (2).
Genome position (GRCh38, 1-based): chr2:47,162,593, G>T on the plus strand (C>A on the coding strand, the complement: CALM2 is on the minus strand). VCF-style: chr2-47162593-G-T. GRCh37 (hg19) VCF-style: chr2-47389732-G-T.
Other names: c.248C>A, p.Thr83Asn (NM_001305624.1); c.-5C>A (NM_001305625.2, NM_001305626.1); short protein forms T35N, T83N.
Identifiers: ClinVar variation 2500009 (VCV002500009.1), dbSNP rs757523692, ClinGen allele CA346720022.
Genomic context (GRCh38, chr2:47,162,593, plus strand): 5'-TCATTAATCATGTCCTGTAACTCTGCTTCTGTGGGATTCTGCCCAAGAGATCTCATTACA[G>T]TTCCCAATTCCTTTGTTGTTATAGTTCCATCACCATCTTTGTCAAATAGTGAAAAAGCTT-3'
Protein context (NP_001734.1, residues 25-45): DGTITTKELG[Thr35Asn]VMRSLGQNPT

ClinVar aggregate classification (germline): Uncertain significance (1 of 4 stars; one submission).

Conditions:
Long QT syndrome 15 (LQT15). Identifiers: Orphanet 101016, Orphanet 768, MedGen C4015695, MONDO:0014550, OMIM 616249.

Submission:

Center for Genomics, Ann and Robert H. Lurie Children's Hospital of Chicago
Classification: Uncertain significance for Long QT syndrome 15. Last evaluated: 2021-03-30. Review status: criteria provided, single submitter. Criteria: ACMG Guidelines, 2015. Collection method: clinical testing. Allele origin: germline.
Comment: CALM2 NM_001743.5 exon 3 p.Thr35Ile (c.104C>T): This variant has not been reported in the literature but is present in 0.009% (1/10076) of Ashkenazi Jewish alleles in the Genome Aggregation Database. Evolutionary conservation and computational predictive tools for this variant are unclear. In summary, data on this variant is insufficient for disease classification. Therefore, the clinical significance of this variant is uncertain.